The following is an entry in ClinVar:

NM_000435.3(NOTCH3):c.3327+10C>T

Gene: NOTCH3 (notch receptor 3; minus strand). Cytogenetic location: 19p13.12.
Variant type: single nucleotide variant.
Coding change: c.3327+10C>T on transcript NM_000435.3 (MANE Select); 10 bases into the intron after coding-DNA position 3327, C replaced by T.
Molecular consequence: intron variant.
Genome position (GRCh38, 1-based): chr19:15,180,062, G>A on the plus strand (C>T on the coding strand, the complement: NOTCH3 is on the minus strand). VCF-style: chr19-15180062-G-A. GRCh37 (hg19) VCF-style: chr19-15290873-G-A.
Other names: c.3327+10C>T (NM_000435.2).
Identifiers: ClinVar variation 1646695 (VCV001646695.9), dbSNP rs747489033, ClinGen allele CA9263129.

ClinVar aggregate classification (germline): Benign. Review status: criteria provided, multiple submitters, no conflicts (2 of 4 stars). 2 submissions from 2 submitters: Benign (2). Last evaluated 2025-03-31.

Allele frequency attached by ClinVar (database versions not stated): gnomAD 0.00005 and 0.00007; ExAC 0.00007; gnomAD exomes 0.00008 and 0.00012; TOPMed 0.00008.
gnomAD v4.1: 118 of 1,586,914 alleles (0.0074%); highest among the groups gnomAD compares: East Asian, 0.054%; no homozygotes.

Submissions (2):

Athena Diagnostics
Classification: Benign. Last evaluated: 2025-03-31. Review status: criteria provided, single submitter. Criteria: Athena Diagnostics Criteria. Collection method: clinical testing. Allele origin: unknown.
Comment: The frequency of this variant in the general population is higher than would generally be expected for pathogenic variants in this gene.

Labcorp Genetics (formerly Invitae), Labcorp
Classification: Benign. Last evaluated: 2023-08-24. Review status: criteria provided, single submitter. Criteria: Invitae Variant Classification Sherloc (09022015). Collection method: clinical testing. Allele origin: germline.